The following is an entry in ClinVar:

NM_138927.4(SON):c.1250C>T (p.Pro417Leu)

Gene: SON (SON DNA and RNA binding protein; plus strand). Cytogenetic location: 21q22.11.
Variant type: single nucleotide variant.
Coding change: c.1250C>T on transcript NM_138927.4 (MANE Select); coding-DNA position 1250, C replaced by T.
Protein change: p.Pro417Leu; replaces proline 417 with leucine.
Molecular consequence: missense variant. On other transcripts: non-coding transcript variant (1), intron variant (1).
Genome position (GRCh38, 1-based): chr21:33,550,481, C>T. VCF-style: chr21-33550481-C-T. GRCh37 (hg19) VCF-style: chr21-34922787-C-T.
Other names: c.1250C>T, p.Pro417Leu (NM_001291411.2, NM_032195.3); c.244+4102C>T (NM_001291412.3); short protein forms P417L.
Identifiers: ClinVar variation 1011631 (VCV001011631.8), dbSNP rs142106397, ClinGen allele CA10008856.
Genomic context (GRCh38, chr21:33,550,481, plus strand): 5'-CCCCTGTGACTCCAGTGCTGGAGTTACCTGGGCCCTCTGCTACCCCGGTGCCAGAGTTGC[C>T]AGGGCCCCTTTCTACCCCAGTGCCTGAGTTGCCAGGGCCCCCTGCGACAGCAGTGCCTGA-3'
Protein context (NP_620305.3, residues 407-427): GPSATPVPEL[Pro417Leu]GPLSTPVPEL

ClinVar aggregate classification (germline): Uncertain significance (1 of 4 stars; one submission).

Allele frequency attached by ClinVar (database versions not stated): gnomAD exomes 0.00001; TOPMed 0.00001; ExAC 0.00002; gnomAD 0.00002; ESP Exome Variant Server 0.00008.

Submission:

Labcorp Genetics (formerly Invitae), Labcorp
Classification: Uncertain significance. Last evaluated: 2022-08-23. Review status: criteria provided, single submitter. Criteria: Invitae Variant Classification Sherloc (09022015). Collection method: clinical testing. Allele origin: germline.
Comment: In summary, the available evidence is currently insufficient to determine the role of this variant in disease. Therefore, it has been classified as a Variant of Uncertain Significance. Algorithms developed to predict the effect of missense changes on protein structure and function are either unavailable or do not agree on the potential impact of this missense change (SIFT: "Deleterious"; PolyPhen-2: "Probably Damaging"; Align-GVGD: "Class C0"). ClinVar contains an entry for this variant (Variation ID: 1011631). This variant has not been reported in the literature in individuals affected with SON-related conditions. This variant is present in population databases (rs142106397, gnomAD 0.01%). This sequence change replaces proline, which is neutral and non-polar, with leucine, which is neutral and non-polar, at codon 417 of the SON protein (p.Pro417Leu).